The following is an entry in ClinVar:

NM_130839.5(UBE3A):c.677C>G (p.Pro226Arg)

Genes: SNHG14 (small nucleolar RNA host gene 14; plus strand), UBE3A (ubiquitin protein ligase E3A; minus strand). Cytogenetic location: 15q11.2.
Variant type: single nucleotide variant.
Coding change: c.677C>G on transcript NM_130839.5 (MANE Select); coding-DNA position 677, C replaced by G.
Protein change: p.Pro226Arg; replaces proline 226 with arginine.
Molecular consequence: missense variant. On other transcripts: non-coding transcript variant (1), intron variant (2).
Genome position (GRCh38, 1-based): chr15:25,371,497, G>C on the plus strand (C>G on the coding strand, the complement: UBE3A is on the minus strand). VCF-style: chr15-25371497-G-C. GRCh37 (hg19) VCF-style: chr15-25616644-G-C.
Other names: c.686C>G, p.Pro229Arg (NM_000462.5); c.677C>G, p.Pro226Arg (NM_001354505.1, NM_001354538.2, NM_001354545.2); c.617C>G, p.Pro206Arg (NM_001354506.2, NM_001354507.2, NM_001354508.2 and 17 more transcripts); c.500C>G, p.Pro167Arg (NM_001354546.2); c.301+3968C>G (NM_001354551.2); c.361+3968C>G (NM_001354550.2); short protein forms P167R, P206R, P226R, P229R.
Identifiers: ClinVar variation 2443518 (VCV002443518.2), dbSNP rs2552191744, ClinGen allele CA391355317.

ClinVar aggregate classification (germline): Uncertain significance (1 of 4 stars; one submission).

Submission:

GeneDx
Classification: Uncertain significance. Last evaluated: 2023-06-29. Review status: criteria provided, single submitter. Criteria: GeneDx Variant Classification Process June 2021. Collection method: clinical testing. Allele origin: germline. Affected: yes.
Comment: Not observed at significant frequency in large population cohorts (gnomAD); In silico analysis supports that this missense variant does not alter protein structure/function; Has not been previously published as pathogenic or benign to our knowledge